The following is an entry in ClinVar:

ClinVar aggregate classification (germline): Uncertain significance. Review status: criteria provided, multiple submitters, no conflicts (2 of 4 stars). 3 submissions from 3 submitters: Uncertain significance (2). 1 of the submissions does not count toward it. Last evaluated 2026-04-22.

Conditions:
Hereditary cancer-predisposing syndrome. Also called: Hereditary Cancer Syndrome; Hereditary neoplastic syndrome; Neoplastic Syndromes, Hereditary; Tumor predisposition. Identifiers: Orphanet 140162, MedGen C0027672, MeSH D009386, MONDO:0015356.
Breast-ovarian cancer, familial, susceptibility to, 1 (BROVCA1). Also called: BRCA1 Hereditary Breast and Ovarian Cancer; OVARIAN CANCER, SUSCEPTIBILITY TO. Identifiers: Orphanet 145, MedGen C2676676, MONDO:0011450, OMIM 604370. Disease mechanism: loss of function.
Hereditary breast ovarian cancer syndrome. Also called: BRCA1- and BRCA2-Associated Hereditary Breast and Ovarian Cancer; Hereditary breast and ovarian cancer syndrome; Hereditary breast and ovarian cancer syndrome (HBOC); Breast and ovarian cancer; Hereditary breast and/or ovarian cancer syndrome; Hereditary breast and ovarian cancer. Identifiers: Orphanet 145, MedGen C0677776, MeSH D061325, MONDO:0003582. Disease mechanism: loss of function.

Submissions (3):

Ambry Genetics
Classification: Uncertain significance for Hereditary cancer-predisposing syndrome. Last evaluated: 2026-04-22. Review status: criteria provided, single submitter. Criteria: Ambry Variant Classification Scheme 2023. Collection method: clinical testing. Allele origin: germline.
Comment: The p.L1407P variant (also known as c.4220T>C), located in coding exon 11 of the BRCA1 gene, results from a T to C substitution at nucleotide position 4220. The leucine at codon 1407 is replaced by proline, an amino acid with similar properties. This alteration precludes PALB2 binding, impairs the transactivation activity of the BRCA1 C-terminus, and has been shown to be defective in multiple functional studies including PARP inhibitor sensitivity assays and homology-directed repair assays (Sy SM et al. Proc Natl Acad Sci U S A, 2009 Apr;106:7155-60; Bouwman P et al. Cancer Discov, 2013 Oct;3:1142-55; Anantha RW et al. Elife, 2017 Apr;6:; Nacson J et al. Cell Rep, 2018 Sep;24:3513-3527.e7; Park D et al. Cancer Res, 2020 Oct;80:4172-4184; Baker CNS et al. Protein Sci, 2025 Jan;34:e5240; Irving E et al. Cancers (Basel), 2026 Jan;18:). In addition, this alteration has been reported as Pathogenic using a Bayesian integrative statistical model that combined data from multiple studies to generate likelihood for pathogenicity (Fernandes VC et al. J Biol Chem, 2019 Apr;294:5980-5992). However, this variant showed functionally normal results in single-strand annealing assays and in assays testing binding interactions with BARD1, BRIP1, and CtIP (Sy SM et al. Proc Natl Acad Sci U S A, 2009 Apr;106:7155-60; Bouwman P et al. Cancer Discov, 2013 Oct;3:1142-55; Anantha RW et al. Elife, 2017 Apr;6:; Park D et al. Cancer Res, 2020 Oct;80:4172-4184). This amino acid position is well conserved in available vertebrate species. In addition, this alteration is predicted to be deleterious by in silico analysis. Based on the available evidence, the clinical significance of this variant remains unclear.

Labcorp Genetics (formerly Invitae), Labcorp
Classification: Uncertain significance for Hereditary breast ovarian cancer syndrome. Last evaluated: 2025-11-14. Review status: criteria provided, single submitter. Criteria: Invitae Variant Classification Sherloc (09022015). Collection method: clinical testing. Allele origin: germline.
Comment: This sequence change replaces leucine, which is neutral and non-polar, with proline, which is neutral and non-polar, at codon 1407 of the BRCA1 protein (p.Leu1407Pro). This variant is not present in population databases (gnomAD no frequency). This variant has not been reported in the literature in individuals affected with BRCA1-related conditions. ClinVar contains an entry for this variant (Variation ID: 55144). Invitae Evidence Modeling of protein sequence and biophysical properties (such as structural, functional, and spatial information, amino acid conservation, physicochemical variation, residue mobility, and thermodynamic stability) indicates that this missense variant is expected to disrupt BRCA1 protein function with a positive predictive value of 80%. Experimental studies have shown that this missense change affects BRCA1 function (PMID: 15689452, 19369211, 23867111, 28398198). In summary, the available evidence is currently insufficient to determine the role of this variant in disease. Therefore, it has been classified as a Variant of Uncertain Significance.

Breast Cancer Information Core (BIC) (BRCA1)
Classification: Uncertain significance for Breast-ovarian cancer, familial 1. Review status: no assertion criteria provided. Collection method: clinical testing. Allele origin: germline. Affected: yes. Observed: 1 variant allele. Not counted in ClinVar's aggregate classification.

Literature cited by the submitters: PubMed 19369211 (cited by Ambry Genetics and Labcorp Genetics (formerly Invitae), Labcorp); PubMed 23867111 (cited by Ambry Genetics and Labcorp Genetics (formerly Invitae), Labcorp); PubMed 28398198 (cited by Ambry Genetics and Labcorp Genetics (formerly Invitae), Labcorp); PubMed 30257212 (cited by Ambry Genetics); PubMed 30765603 (cited by Ambry Genetics); PubMed 32732220 (cited by Ambry Genetics); PubMed 39673470 (cited by Ambry Genetics); PubMed 41595228 (cited by Ambry Genetics); PubMed 15689452 (cited by Labcorp Genetics (formerly Invitae), Labcorp).

NM_007294.4(BRCA1):c.4220T>C (p.Leu1407Pro)

Gene: BRCA1 (BRCA1 DNA repair associated; minus strand). Cytogenetic location: 17q21.31.
Variant type: single nucleotide variant.
Coding change: c.4220T>C on transcript NM_007294.4 (MANE Select); coding-DNA position 4220, T replaced by C.
Protein change: p.Leu1407Pro; replaces leucine 1407 with proline.
Molecular consequence: missense variant. On other transcripts: non-coding transcript variant (1).
Genome position (GRCh38, 1-based): chr17:43,082,541, A>G on the plus strand (T>C on the coding strand, the complement: BRCA1 is on the minus strand). VCF-style: chr17-43082541-A-G. GRCh37 (hg19) VCF-style: chr17-41234558-A-G.
Other names: c.4220T>C, p.Leu1407Pro (NM_001407605.1, NM_001407616.1, NM_001407617.1 and 23 more transcripts); c.4217T>C, p.Leu1406Pro (NM_001407610.1, NM_001407611.1, NM_001407612.1 and 21 more transcripts); c.4097T>C, p.Leu1366Pro (NM_001407648.1, NM_001407669.1, NM_001407677.1 and 13 more transcripts); c.4094T>C, p.Leu1365Pro (NM_001407649.1, NM_001407670.1, NM_001407671.1 and 12 more transcripts); c.4142T>C, p.Leu1381Pro (NM_001407653.1, NM_001407654.1, NM_001407655.1 and 2 more transcripts); c.4139T>C, p.Leu1380Pro (NM_001407656.1, NM_001407661.1, NM_001407662.1 and 1 more transcripts); c.4136T>C, p.Leu1379Pro (NM_001407659.1, NM_001407660.1); c.4076T>C, p.Leu1359Pro (NM_001407752.1, NM_001407838.1, NM_001407839.1 and 23 more transcripts); and 51 more; short protein forms L1407P, L1360P, L304P, L1111P, L1279P, L1296P, L1318P, L223P.
Identifiers: ClinVar variation 55144 (VCV000055144.13), dbSNP rs80357492, ClinGen allele CA002718.